The following is an entry in ClinVar:

NM_000152.5(GAA):c.2704_2716dup (p.Val906fs)

Gene: GAA (alpha glucosidase; plus strand). Cytogenetic location: 17q25.3.
Variant type: Duplication.
Coding change: c.2704_2716dup on transcript NM_000152.5 (MANE Select); coding-DNA positions 2704 to 2716, 13 bases duplicated (CAGAAGGTGACTG).
Protein change: p.Val906fs; shifts the reading frame from valine 906.
Molecular consequence: frameshift variant.
Genome position (GRCh38, 1-based): chr17:80,118,710-80,118,722, CAGAAGGTGACTG duplicated; duplicating any 13 consecutive bases within chr17:80,118,707-80,118,722 gives the same sequence; the c. name uses the placement nearest the transcript's 3' end. VCF-style (leftmost placement, unchanged base first): chr17-80118706-G-GCTGCAGAAGGTGA. GRCh37 (hg19) VCF-style: chr17-78092505-G-GCTGCAGAAGGTGA.
Other names: c.2704_2716dup (LRG_673t1); c.2704_2716dup, p.Val906fs (NM_001079803.3, NM_001079804.3); short protein forms V906fs.
Identifiers: ClinVar variation 369944 (VCV000369944.6), dbSNP rs1057516189, ClinGen allele CA10654927.

ClinVar aggregate classification (germline): Pathogenic. Review status: criteria provided, single submitter (1 of 4 stars). 2 submissions from 2 submitters: Pathogenic (1). 1 of the submissions does not count toward it. Last evaluated 2021-12-26.

Conditions:
Glycogen storage disease, type II (IOPD). Also called: CARDIOMEGALIA GLYCOGENICA DIFFUSA; GLYCOGENOSIS, GENERALIZED, CARDIAC FORM; GSD II; Glycogen storage disease type 2; Acid maltase deficiency disease; Aglucosidase alfa. Identifiers: Orphanet 365, MedGen C0017921, MONDO:0009290, OMIM 232300.

Submissions (2):

Labcorp Genetics (formerly Invitae), Labcorp
Classification: Pathogenic for Glycogen storage disease, type II. Last evaluated: 2021-12-26. Review status: criteria provided, single submitter. Criteria: Invitae Variant Classification Sherloc (09022015). Collection method: clinical testing. Allele origin: germline.
Comment: This sequence change results in a frameshift in the GAA gene (p.Val906Alafs*116). While this is not anticipated to result in nonsense mediated decay, it is expected to disrupt the last 47 amino acid(s) of the GAA protein and extend the protein by 68 additional amino acid residues. For these reasons, this variant has been classified as Pathogenic. This variant disrupts a region of the GAA protein in which other variant(s) (p.Tyr928Cys) have been determined to be pathogenic (PMID: 22252923, 29122469, 31606152, 33741225). This suggests that this is a clinically significant region of the protein, and that variants that disrupt it are likely to be disease-causing. Algorithms developed to predict the effect of sequence changes on RNA splicing suggest that this variant may create or strengthen a splice site. ClinVar contains an entry for this variant (Variation ID: 369944). This variant has not been reported in the literature in individuals affected with GAA-related conditions. This variant is not present in population databases (gnomAD no frequency).

Bioscientia Institut fuer Medizinische Diagnostik GmbH, Sonic Healthcare
Classification: Pathogenic for Glycogen storage disease, type II. Review status: no assertion criteria provided. Collection method: clinical testing. Allele origin: germline. Affected: yes. Not counted in ClinVar's aggregate classification.

Literature cited by the submitters: PubMed 22252923 (cited by Labcorp Genetics (formerly Invitae), Labcorp); PubMed 29122469 (cited by Labcorp Genetics (formerly Invitae), Labcorp); PubMed 31606152 (cited by Labcorp Genetics (formerly Invitae), Labcorp); PubMed 33741225 (cited by Labcorp Genetics (formerly Invitae), Labcorp).